The following is an entry in ClinVar:

NM_000308.4(CTSA):c.-2A>C

Gene: CTSA (cathepsin A; plus strand). Cytogenetic location: 20q13.12.
Variant type: single nucleotide variant.
Coding change: c.-2A>C on transcript NM_000308.4 (MANE Select); 2 bases upstream of the start codon, A replaced by C.
Molecular consequence: 5 prime UTR variant. On other transcripts: non-coding transcript variant (1).
Genome position (GRCh38, 1-based): chr20:45,891,378, A>C. VCF-style: chr20-45891378-A-C. GRCh37 (hg19) VCF-style: chr20-44520017-A-C.
Other names: c.-48A>C (NM_001127695.3); c.-2A>C (NM_001167594.3).
Identifiers: ClinVar variation 1984622 (VCV001984622.1), dbSNP rs1318047747, ClinGen allele CA409247381.
Genomic context (GRCh38, chr20:45,891,378, plus strand): 5'-TCGTACACATGACTTCCAGTCCCCGGGCGCCTCCTGGAGAGCAAGGACGCGGGGGAGCAG[A>C]GGTGAGCTGGCACCGGAGGCTGGAGGGGATCCCCGAGCCCGGGATCGGTGCGCGGCAGAG-3'

ClinVar aggregate classification (germline): Uncertain significance (1 of 4 stars; one submission).

Conditions:
Combined deficiency of sialidase AND beta galactosidase (GSL). Also called: NEURAMINIDASE DEFICIENCY WITH BETA-GALACTOSIDASE DEFICIENCY; NEURAMINIDASE/BETA-GALACTOSIDASE EXPRESSION; PPCA DEFICIENCY; PROTECTIVE PROTEIN/CATHEPSIN A DEFICIENCY; Galactosialidosis; CATHEPSIN A DEFICIENCY. Identifiers: Orphanet 351, MedGen C0268233, MONDO:0009737, OMIM 256540.

Allele frequency attached by ClinVar (database versions not stated): gnomAD exomes below 0.00001; gnomAD 0.00001; TOPMed 0.00001.
gnomAD v4.1: 4 of 1,572,610 alleles (0.00025%); highest among the groups gnomAD compares: Admixed American, 0.0019%; no homozygotes.

Submission:

Labcorp Genetics (formerly Invitae), Labcorp
Classification: Uncertain significance for Combined deficiency of sialidase AND beta galactosidase. Last evaluated: 2022-08-09. Review status: criteria provided, single submitter. Criteria: Invitae Variant Classification Sherloc (09022015). Collection method: clinical testing. Allele origin: germline.
Comment: This sequence change replaces glutamic acid, which is acidic and polar, with alanine, which is neutral and non-polar, at codon 18 of the CTSA protein (p.Glu18Ala). This variant is not present in population databases (gnomAD no frequency). This variant has not been reported in the literature in individuals affected with CTSA-related conditions. Algorithms developed to predict the effect of missense changes on protein structure and function are either unavailable or do not agree on the potential impact of this missense change (SIFT: "Not Available"; PolyPhen-2: "Possibly Damaging"; Align-GVGD: "Not Available"). Algorithms developed to predict the effect of sequence changes on RNA splicing suggest that this variant may create or strengthen a splice site. In summary, the available evidence is currently insufficient to determine the role of this variant in disease. Therefore, it has been classified as a Variant of Uncertain Significance.